The following is an entry in ClinVar:

ClinVar aggregate classification (germline): Uncertain significance. Review status: criteria provided, multiple submitters, no conflicts (2 of 4 stars). 2 submissions from 2 submitters: Uncertain significance (2). Last evaluated 2023-01-12.

Conditions:
Inborn genetic diseases. Identifiers: MedGen C0950123, MeSH D030342.

Submissions (2):

GeneDx
Classification: Uncertain significance. Last evaluated: 2023-01-12. Review status: criteria provided, single submitter. Criteria: GeneDx Variant Classification Process June 2021. Collection method: clinical testing. Allele origin: germline. Affected: yes.
Comment: Not observed at significant frequency in large population cohorts (gnomAD); In silico analysis supports that this missense variant has a deleterious effect on protein structure/function; Has not been previously published as pathogenic or benign to our knowledge

Ambry Genetics
Classification: Uncertain significance for Inborn genetic diseases. Last evaluated: 2021-12-20. Review status: criteria provided, single submitter. Criteria: Ambry Variant Classification Scheme 2023. Collection method: clinical testing. Allele origin: germline.

NM_006265.3(RAD21):c.965G>C (p.Arg322Thr)

Gene: RAD21 (RAD21 cohesin complex component; minus strand). Cytogenetic location: 8q24.11.
Variant type: single nucleotide variant.
Coding change: c.965G>C on transcript NM_006265.3 (MANE Select); coding-DNA position 965, G replaced by C.
Protein change: p.Arg322Thr; replaces arginine 322 with threonine.
Molecular consequence: missense variant.
Genome position (GRCh38, 1-based): chr8:116,854,441, C>G on the plus strand (G>C on the coding strand, the complement: RAD21 is on the minus strand). VCF-style: chr8-116854441-C-G. GRCh37 (hg19) VCF-style: chr8-117866680-C-G.
Other names: short protein forms R322T.
Identifiers: ClinVar variation 2268384 (VCV002268384.3), dbSNP rs2537293003, ClinGen allele CA372001881.
Genomic context (GRCh38, chr8:116,854,441, plus strand): 5'-CTAAGTTGGGCTCTAATTGTCTTGCTATCCAACTCTTTGACACTGTCAACAATTAGCTTC[C>G]TCTTCCTCTTGGCTTTTGTTTCTTTAACTGGAATGATAATAAAAAATAAGATCATTTTCC-3'
Protein context (NP_006256.1, residues 312-332): TVKETKAKRK[Arg322Thr]KLIVDSVKEL